The following is an entry in ClinVar:

ClinVar aggregate classification (germline): Uncertain significance (1 of 4 stars; one submission).

Conditions:
Arginase deficiency. Also called: ARGININEMIA; ARG1 DEFICIENCY; Arginase 1 Deficiency. Identifiers: Orphanet 90, MedGen C0268548, MONDO:0008814, OMIM 207800.

Allele frequency attached by ClinVar (database versions not stated): gnomAD exomes below 0.00001.
gnomAD v4.1: 1 of 1,614,160 alleles (0.000062%); highest among the groups gnomAD compares: Admixed American, 0.0017%; no homozygotes.

Submission:

Labcorp Genetics (formerly Invitae), Labcorp
Classification: Uncertain significance for Arginase deficiency. Last evaluated: 2025-04-07. Review status: criteria provided, single submitter. Criteria: Invitae Variant Classification Sherloc (09022015). Collection method: clinical testing. Allele origin: germline.
Comment: This sequence change replaces arginine, which is basic and polar, with glycine, which is neutral and non-polar, at codon 6 of the ARG1 protein (p.Arg6Gly). This variant is present in population databases (no rsID available, gnomAD 0.003%). This variant has not been reported in the literature in individuals affected with ARG1-related conditions. ClinVar contains an entry for this variant (Variation ID: 1517542). An algorithm developed to predict the effect of missense changes on protein structure and function (PolyPhen-2) suggests that this variant is likely to be tolerated. In summary, the available evidence is currently insufficient to determine the role of this variant in disease. Therefore, it has been classified as a Variant of Uncertain Significance.

NM_000045.4(ARG1):c.16A>G (p.Arg6Gly)

Gene: ARG1 (arginase 1; plus strand). Cytogenetic location: 6q23.2.
Variant type: single nucleotide variant.
Coding change: c.16A>G on transcript NM_000045.4 (MANE Select); coding-DNA position 16, A replaced by G.
Protein change: p.Arg6Gly; replaces arginine 6 with glycine.
Molecular consequence: missense variant. On other transcripts: non-coding transcript variant (1).
Genome position (GRCh38, 1-based): chr6:131,573,298, A>G. VCF-style: chr6-131573298-A-G. GRCh37 (hg19) VCF-style: chr6-131894438-A-G.
Other names: c.16A>G, p.Arg6Gly (NM_001244438.2, NM_001369020.1); short protein forms R6G.
Identifiers: ClinVar variation 1517542 (VCV001517542.6), dbSNP rs1190948767, ClinGen allele CA365649043.